The following is an entry in ClinVar:

ClinVar aggregate classification (germline): Uncertain significance. Review status: criteria provided, multiple submitters, no conflicts (2 of 4 stars). 3 submissions from 3 submitters: Uncertain significance (3). Last evaluated 2023-12-07.

Conditions:
Hereditary cancer-predisposing syndrome. Also called: Hereditary Cancer Syndrome; Neoplastic Syndromes, Hereditary; Hereditary neoplastic syndrome; Tumor predisposition. Identifiers: Orphanet 140162, MedGen C0027672, MeSH D009386, MONDO:0015356.
Tuberous sclerosis syndrome (TSC). Also called: Tuberous Sclerosis Complex; Tuberous sclerosis. Identifiers: Orphanet 805, MedGen C0041341, MONDO:0001734.
Tuberous sclerosis 1 (TSC1). Identifiers: Orphanet 805, MedGen C1854465, MONDO:0008612, OMIM 191100.

gnomAD v4.1: 6 of 1,613,944 alleles (0.00037%); highest among the groups gnomAD compares: Non-Finnish European, 0.00051%; no homozygotes.

Submissions (3):

Ambry Genetics
Classification: Uncertain significance for Hereditary cancer-predisposing syndrome. Last evaluated: 2023-12-07. Review status: criteria provided, single submitter. Criteria: Ambry Variant Classification Scheme 2023. Collection method: clinical testing. Allele origin: germline.
Comment: The p.T44S variant (also known as c.130A>T), located in coding exon 2 of the TSC1 gene, results from an A to T substitution at nucleotide position 130. The threonine at codon 44 is replaced by serine, an amino acid with similar properties. This amino acid position is not well conserved in available vertebrate species. In addition, this alteration is predicted to be tolerated by in silico analysis. Since supporting evidence is limited at this time, the clinical significance of this alteration remains unclear.

All of Us Research Program, National Institutes of Health
Classification: Uncertain significance for Tuberous sclerosis syndrome. Last evaluated: 2023-08-15. Review status: criteria provided, single submitter. Criteria: ACMG Guidelines, 2015. Collection method: clinical testing. Allele origin: germline. Inheritance: Autosomal dominant inheritance. Observed: 1 variant allele, 1 heterozygote.
Comment: This study involves interpretation of variants in research participants for the purpose of population health screening. Participant phenotype was not available at the time of variant classification. Additional details can be found in publication PMID: 35346344, PMCID: PMC8962531

Labcorp Genetics (formerly Invitae), Labcorp
Classification: Uncertain significance for Tuberous sclerosis 1. Last evaluated: 2023-05-09. Review status: criteria provided, single submitter. Criteria: Invitae Variant Classification Sherloc (09022015). Collection method: clinical testing. Allele origin: germline.
Comment: In summary, the available evidence is currently insufficient to determine the role of this variant in disease. Therefore, it has been classified as a Variant of Uncertain Significance. Advanced modeling of protein sequence and biophysical properties (such as structural, functional, and spatial information, amino acid conservation, physicochemical variation, residue mobility, and thermodynamic stability) performed at Invitae indicates that this missense variant is not expected to disrupt TSC1 protein function. ClinVar contains an entry for this variant (Variation ID: 818867). This variant has not been reported in the literature in individuals affected with TSC1-related conditions. This variant is not present in population databases (gnomAD no frequency). This sequence change replaces threonine, which is neutral and polar, with serine, which is neutral and polar, at codon 44 of the TSC1 protein (p.Thr44Ser).

NM_000368.5(TSC1):c.130A>T (p.Thr44Ser)

Gene: TSC1 (TSC complex subunit 1; minus strand). Cytogenetic location: 9q34.13.
Variant type: single nucleotide variant.
Coding change: c.130A>T on transcript NM_000368.5 (MANE Select); coding-DNA position 130, A replaced by T.
Protein change: p.Thr44Ser; replaces threonine 44 with serine.
Molecular consequence: missense variant. On other transcripts: intron variant (1).
Genome position (GRCh38, 1-based): chr9:132,927,281, T>A on the plus strand (A>T on the coding strand, the complement: TSC1 is on the minus strand). VCF-style: chr9-132927281-T-A. GRCh37 (hg19) VCF-style: chr9-135802668-T-A.
Other names: c.130A>T, p.Thr44Ser (NM_001162426.2, NM_001162427.2); c.-154+1486A>T (NM_001362177.2); short protein forms T44S.
Identifiers: ClinVar variation 818867 (VCV000818867.8), dbSNP rs1399266964, ClinGen allele CA375375195.